The following is an entry in ClinVar:

NM_020376.4(PNPLA2):c.1486C>T (p.Arg496Trp)

Gene: PNPLA2 (patatin like domain 2, triacylglycerol lipase; plus strand). Cytogenetic location: 11p15.5.
Variant type: single nucleotide variant.
Coding change: c.1486C>T on transcript NM_020376.4 (MANE Select); coding-DNA position 1486, C replaced by T.
Protein change: p.Arg496Trp; replaces arginine 496 with tryptophan.
Molecular consequence: missense variant.
Genome position (GRCh38, 1-based): chr11:824,833, C>T. VCF-style: chr11-824833-C-T. GRCh37 (hg19) VCF-style: chr11-824833-C-T.
Other names: short protein forms R496W.
Identifiers: ClinVar variation 465786 (VCV000465786.8), dbSNP rs767707536, ClinGen allele CA5791428.
Genomic context (GRCh38, chr11:824,833, plus strand): 5'-TCCCCGCAGCACCAGCTGGCCGGGCCTGCCCCCTTGCTGAGCACCCCTGCTCCCGAGGCC[C>T]GGCCCGTGATCGGGGCCCTGGGGCTGTGAGACCCCGACCCTCTCGAGGAACCCTGCCTGA-3'
Protein context (NP_065109.1, residues 486-504): PLLSTPAPEA[Arg496Trp]PVIGALGL

ClinVar aggregate classification (germline): Uncertain significance. Review status: criteria provided, multiple submitters, no conflicts (2 of 4 stars). 3 submissions from 3 submitters: Uncertain significance (2). 1 of the submissions does not count toward it. Last evaluated 2025-04-20.

Conditions:
Inborn genetic diseases. Identifiers: MedGen C0950123, MeSH D030342.
Neutral lipid storage myopathy (NLSDM). Also called: NEUTRAL LIPID STORAGE DISEASE WITHOUT ICHTHYOSIS. Identifiers: Orphanet 98908, MedGen C1853136, MONDO:0012545, OMIM 610717.
PNPLA2-related disorder. Also called: PNPLA2-related condition.

Allele frequency attached by ClinVar (database versions not stated): ExAC 0.00009; TOPMed 0.00014.
gnomAD v4.1: 53 of 1,534,516 alleles (0.0035%); highest among the groups gnomAD compares: Admixed American, 0.098%; no homozygotes.

Submissions (3):

Ambry Genetics
Classification: Uncertain significance for Inborn genetic diseases. Last evaluated: 2025-04-20. Review status: criteria provided, single submitter. Criteria: Ambry Variant Classification Scheme 2023. Collection method: clinical testing. Allele origin: germline.

Labcorp Genetics (formerly Invitae), Labcorp
Classification: Uncertain significance for Neutral lipid storage myopathy. Last evaluated: 2024-02-28. Review status: criteria provided, single submitter. Criteria: Invitae Variant Classification Sherloc (09022015). Collection method: clinical testing. Allele origin: germline.
Comment: This sequence change replaces arginine, which is basic and polar, with tryptophan, which is neutral and slightly polar, at codon 496 of the PNPLA2 protein (p.Arg496Trp). This variant is present in population databases (rs767707536, gnomAD 0.06%). This variant has not been reported in the literature in individuals affected with PNPLA2-related conditions. ClinVar contains an entry for this variant (Variation ID: 465786). Algorithms developed to predict the effect of missense changes on protein structure and function output the following: SIFT: "Not Available"; PolyPhen-2: "Benign"; Align-GVGD: "Not Available". The tryptophan amino acid residue is found in multiple mammalian species, which suggests that this missense change does not adversely affect protein function. In summary, the available evidence is currently insufficient to determine the role of this variant in disease. Therefore, it has been classified as a Variant of Uncertain Significance.

PreventionGenetics, part of Exact Sciences
Classification: Uncertain significance for PNPLA2-related condition. Last evaluated: 2024-07-18. Review status: no assertion criteria provided. Collection method: clinical testing. Allele origin: germline. Not counted in ClinVar's aggregate classification.
Comment: The PNPLA2 c.1486C>T variant is predicted to result in the amino acid substitution p.Arg496Trp. To our knowledge, this variant has not been reported in the literature. This variant is reported in 0.062% of alleles in individuals of Latino descent in gnomAD. At this time, the clinical significance of this variant is uncertain due to the absence of conclusive functional and genetic evidence.